The following is an entry in ClinVar:

NM_004855.5(PIGB):c.840del (p.Phe280fs)

Gene: PIGB (phosphatidylinositol glycan anchor biosynthesis class B; plus strand). Cytogenetic location: 15q21.3.
Variant type: Deletion.
Coding change: c.840del on transcript NM_004855.5 (MANE Select); coding-DNA position 840, one base deleted (T; older notation c.840delT).
Protein change: p.Phe280fs; shifts the reading frame from phenylalanine 280.
Molecular consequence: frameshift variant.
Genome position (GRCh38, 1-based): chr15:55,339,312, T deleted; the last of 8 consecutive T bases (chr15:55,339,305-55,339,312); deleting any one gives the same sequence. VCF-style (leftmost placement, unchanged base first): chr15-55339304-AT-A. GRCh37 (hg19) VCF-style: chr15-55631502-AT-A.
Other names: short protein forms F280fs.
Identifiers: ClinVar variation 3610423 (VCV003610423.3).

ClinVar aggregate classification (germline): Conflicting classifications of pathogenicity. Review status: criteria provided, conflicting classifications (1 of 4 stars). 2 submissions from 2 submitters: Pathogenic (1); Uncertain significance (1). Last evaluated 2025-11-15.

Submissions (2):

Labcorp Genetics (formerly Invitae), Labcorp
Classification: Pathogenic. Last evaluated: 2025-11-15. Review status: criteria provided, single submitter. Criteria: Invitae Variant Classification Sherloc (09022015). Collection method: clinical testing. Allele origin: germline.
Comment: This sequence change creates a premature translational stop signal (p.Phe280Leufs*12) in the PIGB gene. It is expected to result in an absent or disrupted protein product. Loss-of-function variants in PIGB are known to be pathogenic (PMID: 31256876, 34400385). The frequency data for this variant in the population databases is considered unreliable, as metrics indicate poor data quality at this position in the gnomAD database. This variant has not been reported in the literature in individuals affected with PIGB-related conditions. ClinVar contains an entry for this variant (Variation ID: 3610423). For these reasons, this variant has been classified as Pathogenic.

Blueprint Genetics
Classification: Uncertain significance. Last evaluated: 2022-06-30. Review status: criteria provided, single submitter. Criteria: ACMG Guidelines, 2015. Collection method: clinical testing. Allele origin: germline.

Literature cited by the submitters: PubMed 31256876 (cited by Labcorp Genetics (formerly Invitae), Labcorp); PubMed 34400385 (cited by Labcorp Genetics (formerly Invitae), Labcorp).